The following is an entry in ClinVar:

ClinVar aggregate classification (germline): Likely benign (0 of 4 stars; one submission).

Conditions:
PHIP-related disorder. Also called: PHIP-related condition; PHIP-related disorders.

gnomAD v4.1: 3 of 1,602,616 alleles (0.00019%); highest among the groups gnomAD compares: African/African-American, 0.0013%; no homozygotes.

Submission:

PreventionGenetics, part of Exact Sciences
Classification: Likely benign for PHIP-related condition. Last evaluated: 2023-02-14. Review status: no assertion criteria provided. Collection method: clinical testing. Allele origin: germline.
Comment: This variant is classified as likely benign based on ACMG/AMP sequence variant interpretation guidelines (Richards et al. 2015 PMID: 25741868, with internal and published modifications).

NM_017934.7(PHIP):c.924-3C>T

Gene: PHIP (PHIP subunit of CUL4-Ring ligase complex; minus strand). Cytogenetic location: 6q14.1.
Variant type: single nucleotide variant.
Coding change: c.924-3C>T on transcript NM_017934.7 (MANE Select); 3 bases into the intron before coding-DNA position 924, C replaced by T.
Molecular consequence: intron variant.
Genome position (GRCh38, 1-based): chr6:79,019,162, G>A on the plus strand (C>T on the coding strand, the complement: PHIP is on the minus strand). VCF-style: chr6-79019162-G-A. GRCh37 (hg19) VCF-style: chr6-79728879-G-A.
Identifiers: ClinVar variation 3356316 (VCV003356316.1).